The following is an entry in ClinVar:

NM_001351132.2(PEX5):c.737_738del (p.Glu246fs)

Gene: PEX5 (peroxisomal biogenesis factor 5; plus strand). Cytogenetic location: 12p13.31.
Variant type: Microsatellite.
Coding change: c.737_738del on transcript NM_001351132.2 (MANE Select); coding-DNA positions 737 to 738, 2 bases deleted (AG; older notation c.737_738delAG).
Protein change: p.Glu246fs; shifts the reading frame from glutamic acid 246.
Molecular consequence: frameshift variant. On other transcripts: intron variant (15).
Genome position (GRCh38, 1-based): chr12:7,202,335-7,202,336, AG deleted; deleting any 2 consecutive bases within chr12:7,202,333-7,202,336 gives the same sequence; the c. name uses the placement nearest the transcript's 3' end. VCF-style (leftmost placement, unchanged base first): chr12-7202332-CAG-C. GRCh37 (hg19) VCF-style: chr12-7354928-CAG-C.
Other names: c.737_738del, p.Glu246fs (NM_000319.5, NM_001131025.2, NM_001131026.2 and 6 more transcripts); c.782_783del, p.Glu261fs (NM_001131023.2); c.643-277_643-276del (NM_001351124.3, NM_001351126.2, NM_001374646.1 and 10 more transcripts); c.688-277_688-276del (NM_001351135.3, NM_001351138.2); short protein forms E246fs, E261fs.
Identifiers: ClinVar variation 2147984 (VCV002147984.4), dbSNP rs2540148055, ClinGen allele CA2512975061.
Genomic context (GRCh38, chr12:7,202,332, plus strand): 5'-GGCAGGTGTCCCTGGAGTCCGGTGCAGGGTCGGGCCGAGCTCAGGCAGAACAGTGGGCAG[CAG>C]AGTTTATACAGCAGCAGGTAGGACATTGTCACTTTCCAGTCCCACTTCAGAGCCAGCTGA-3'

ClinVar aggregate classification (germline): Pathogenic (1 of 4 stars; one submission).

Conditions:
Peroxisome biogenesis disorder 2B (PBD2B). Identifiers: Orphanet 44, MedGen C3550234, MONDO:0008736, OMIM 202370.

Submission:

Labcorp Genetics (formerly Invitae), Labcorp
Classification: Pathogenic for Peroxisome biogenesis disorder 2B. Last evaluated: 2022-11-06. Review status: criteria provided, single submitter. Criteria: Invitae Variant Classification Sherloc (09022015). Collection method: clinical testing. Allele origin: germline.
Comment: This variant is not present in population databases (gnomAD no frequency). This variant has not been reported in the literature in individuals affected with PEX5-related conditions. For these reasons, this variant has been classified as Pathogenic. This sequence change creates a premature translational stop signal (p.Glu246Valfs*13) in the PEX5 gene. It is expected to result in an absent or disrupted protein product. Loss-of-function variants in PEX5 are known to be pathogenic (PMID: 18712838, 21031596).

Literature cited by the submitters: PubMed 18712838; PubMed 21031596.